The following is an entry in ClinVar:

ClinVar aggregate classification (germline): Uncertain significance (1 of 4 stars; one submission).

Conditions:
Hyperekplexia 3 (HKPX3). Also called: HYPEREKPLEXIA 3, AUTOSOMAL RECESSIVE; HYPEREKPLEXIA 3, AUTOSOMAL DOMINANT. Identifiers: Orphanet 3197, MedGen C3553288, MONDO:0013827, OMIM 614618.

Allele frequency attached by ClinVar (database versions not stated): gnomAD 0.00001; gnomAD exomes 0.00001; TOPMed 0.00001.
gnomAD v4.1: 17 of 1,606,542 alleles (0.0011%); highest among the groups gnomAD compares: Non-Finnish European, 0.0011%; no homozygotes.

Submission:

Labcorp Genetics (formerly Invitae), Labcorp
Classification: Uncertain significance for Hyperekplexia 3. Last evaluated: 2022-05-07. Review status: criteria provided, single submitter. Criteria: Invitae Variant Classification Sherloc (09022015). Collection method: clinical testing. Allele origin: germline.
Comment: This variant has not been reported in the literature in individuals affected with SLC6A5-related conditions. In summary, the available evidence is currently insufficient to determine the role of this variant in disease. Therefore, it has been classified as a Variant of Uncertain Significance. Variants that disrupt the consensus splice site are a relatively common cause of aberrant splicing (PMID: 17576681, 9536098). Algorithms developed to predict the effect of sequence changes on RNA splicing suggest that this variant may create or strengthen a splice site. This variant is present in population databases (no rsID available, gnomAD 0.002%). This sequence change falls in intron 9 of the SLC6A5 gene. It does not directly change the encoded amino acid sequence of the SLC6A5 protein. It affects a nucleotide within the consensus splice site.

Literature cited by the submitters: PubMed 17576681; PubMed 9536098.

NM_004211.5(SLC6A5):c.1499+3A>G

Gene: SLC6A5 (solute carrier family 6 member 5; plus strand). Cytogenetic location: 11p15.1.
Variant type: single nucleotide variant.
Coding change: c.1499+3A>G on transcript NM_004211.5 (MANE Select); 3 bases into the intron after coding-DNA position 1499, A replaced by G.
Molecular consequence: intron variant.
Genome position (GRCh38, 1-based): chr11:20,628,086, A>G. VCF-style: chr11-20628086-A-G. GRCh37 (hg19) VCF-style: chr11-20649632-A-G.
Other names: c.797+3A>G (NM_001318369.2).
Identifiers: ClinVar variation 1897144 (VCV001897144.5), dbSNP rs1403617823, ClinGen allele CA597487314.
Genomic context (GRCh38, chr11:20,628,086, plus strand): 5'-CATGGGGAGGCCTGATCACTCTCTCTTCTTACAACAAATTCCACAACAACTGCTACAGGT[A>G]TGTAGAGGTACTACAAGATCTGGGCATAGCTGGTGAGTGGGACAGAAGAATGGACTGAGT-3'